The following is an entry in ClinVar:

ClinVar aggregate classification (germline): Uncertain significance (1 of 4 stars; one submission).

Conditions:
Regional enteritis. Also called: Enteritis, Granulomatous. Identifiers: MedGen C0678202, MeSH D003424.
Blau syndrome (BLAUS). Also called: GRANULOMATOSIS, FAMILIAL JUVENILE SYSTEMIC; GRANULOMATOSIS, FAMILIAL, BLAU TYPE; GRANULOMATOUS INFLAMMATORY ARTHRITIS, DERMATITIS, AND UVEITIS, FAMILIAL; JABS SYNDROME; ARTHROCUTANEOUVEAL GRANULOMATOSIS. Identifiers: Orphanet 90340, MedGen C5201146, MONDO:0008523, OMIM 186580.

Allele frequency attached by ClinVar (database versions not stated): TOPMed below 0.00001; gnomAD 0.00001.
gnomAD v4.1: 1 of 1,614,120 alleles (0.000062%); highest among the groups gnomAD compares: Admixed American, 0.0017%; no homozygotes.

Submission:

Labcorp Genetics (formerly Invitae), Labcorp
Classification: Uncertain significance for Regional enteritis; Blau syndrome. Last evaluated: 2022-12-22. Review status: criteria provided, single submitter. Criteria: Invitae Variant Classification Sherloc (09022015). Collection method: clinical testing. Allele origin: germline.
Comment: This variant is not present in population databases (gnomAD no frequency). This variant has not been reported in the literature in individuals affected with NOD2-related conditions. Advanced modeling of protein sequence and biophysical properties (such as structural, functional, and spatial information, amino acid conservation, physicochemical variation, residue mobility, and thermodynamic stability) performed at Invitae indicates that this missense variant is not expected to disrupt NOD2 protein function. In summary, the available evidence is currently insufficient to determine the role of this variant in disease. Therefore, it has been classified as a Variant of Uncertain Significance. This sequence change replaces alanine, which is neutral and non-polar, with proline, which is neutral and non-polar, at codon 864 of the NOD2 protein (p.Ala864Pro).

NM_001370466.1(NOD2):c.2509G>C (p.Ala837Pro)

Gene: NOD2 (nucleotide binding oligomerization domain containing 2; plus strand). Cytogenetic location: 16q12.1.
Variant type: single nucleotide variant.
Coding change: c.2509G>C on transcript NM_001370466.1 (MANE Select); coding-DNA position 2509, G replaced by C.
Protein change: p.Ala837Pro; replaces alanine 837 with proline.
Molecular consequence: missense variant. On other transcripts: non-coding transcript variant (1).
Genome position (GRCh38, 1-based): chr16:50,716,934, G>C. VCF-style: chr16-50716934-G-C. GRCh37 (hg19) VCF-style: chr16-50750845-G-C.
Other names: c.2509G>C, p.Ala837Pro (NM_001293557.2); c.2590G>C, p.Ala864Pro (NM_022162.3); short protein forms A837P, A864P.
Identifiers: ClinVar variation 2413300 (VCV002413300.7), dbSNP rs780975637, ClinGen allele CA395873855.